The following is an entry in ClinVar:

ClinVar aggregate classification (germline): Uncertain significance (1 of 4 stars; one submission).

Conditions:
Spastic paraplegia. Identifiers: MedGen C0037772, HP:0001258.

Submission:

Labcorp Genetics (formerly Invitae), Labcorp
Classification: Uncertain significance for Spastic paraplegia. Last evaluated: 2023-04-07. Review status: criteria provided, single submitter. Criteria: Invitae Variant Classification Sherloc (09022015). Collection method: clinical testing. Allele origin: germline.
Comment: This variant has not been reported in the literature in individuals affected with L1CAM-related conditions. In summary, the available evidence is currently insufficient to determine the role of this variant in disease. Therefore, it has been classified as a Variant of Uncertain Significance. Advanced modeling of protein sequence and biophysical properties (such as structural, functional, and spatial information, amino acid conservation, physicochemical variation, residue mobility, and thermodynamic stability) performed at Invitae indicates that this missense variant is not expected to disrupt L1CAM protein function. This variant is not present in population databases (gnomAD no frequency). This sequence change replaces aspartic acid, which is acidic and polar, with asparagine, which is neutral and polar, at codon 432 of the L1CAM protein (p.Asp432Asn).

NM_001278116.2(L1CAM):c.1294G>A (p.Asp432Asn)

Gene: L1CAM (L1 cell adhesion molecule; minus strand). Cytogenetic location: Xq28.
Variant type: single nucleotide variant.
Coding change: c.1294G>A on transcript NM_001278116.2 (MANE Select); coding-DNA position 1294, G replaced by A.
Protein change: p.Asp432Asn; replaces aspartic acid 432 with asparagine.
Molecular consequence: missense variant.
Genome position (GRCh38, 1-based): chrX:153,868,926, C>T on the plus strand (G>A on the coding strand, the complement: L1CAM is on the minus strand). VCF-style: chrX-153868926-C-T. GRCh37 (hg19) VCF-style: chrX-153134381-C-T.
Other names: c.1294G>A, p.Asp432Asn (NM_000425.5, NM_024003.3); c.1279G>A, p.Asp427Asn (NM_001143963.2); short protein forms D432N, D427N.
Identifiers: ClinVar variation 2991464 (VCV002991464.3), dbSNP rs2521005898, ClinGen allele CA415128589.
Genomic context (GRCh38, chrX:153,868,926, plus strand): 5'-CGAAGGCCTTGCACAGAAGGTAGGCAGTGCTGCCCTGGACAGCCATGTACGTCTGATTGT[C>T]CGCAGTCAGGATCTTGGCTGGCAGCTCTAGGGGAGGAACAGCCTCAGGAGACAGGGCAGG-3'
Protein context (NP_001265045.1, residues 422-442): VQLPAKILTA[Asp432Asn]NQTYMAVQGS